The following is an entry in ClinVar:

NM_058216.3(RAD51C):c.758A>G (p.Asp253Gly)

Gene: RAD51C (RAD51 paralog C; plus strand). Cytogenetic location: 17q22.
Variant type: single nucleotide variant.
Coding change: c.758A>G on transcript NM_058216.3 (MANE Select); coding-DNA position 758, A replaced by G.
Protein change: p.Asp253Gly; replaces aspartic acid 253 with glycine.
Molecular consequence: missense variant. On other transcripts: non-coding transcript variant (1).
Genome position (GRCh38, 1-based): chr17:58,709,911, A>G. VCF-style: chr17-58709911-A-G. GRCh37 (hg19) VCF-style: chr17-56787272-A-G.
Other names: short protein forms D253G.
Identifiers: ClinVar variation 409850 (VCV000409850.22), dbSNP rs1060502592, ClinGen allele CA16615753.
Genomic context (GRCh38, chr17:58,709,911, plus strand): 5'-GTATTTAGGTTCGACTAGTGATAGTGGATGGTATTGCTTTTCCATTTCGTCATGACCTAG[A>G]TGACCTGTCTCTTCGTACTCGGTTATTAAATGGCCTAGCCCAGCAAATGATCAGCCTTGC-3'
Protein context (NP_478123.1, residues 243-263): GIAFPFRHDL[Asp253Gly]DLSLRTRLLN

ClinVar aggregate classification (germline): Conflicting classifications of pathogenicity. Review status: criteria provided, conflicting classifications (1 of 4 stars). 6 submissions from 6 submitters: Uncertain significance (5); Likely benign (1). Last evaluated 2026-10-01.

Conditions:
Fanconi anemia complementation group O. Also called: RAD51C-Related Fanconi Anemia. Identifiers: Orphanet 84, MedGen C3150653, MONDO:0013248, OMIM 613390.
Breast-ovarian cancer, familial, susceptibility to, 3. Also called: RAD51C-Related Breast/Ovarian Cancer. Identifiers: Orphanet 145, MedGen C3150659, MONDO:0013253, OMIM 613399.
Hereditary cancer-predisposing syndrome. Also called: Hereditary neoplastic syndrome; Neoplastic Syndromes, Hereditary; Hereditary Cancer Syndrome; Tumor predisposition. Identifiers: Orphanet 140162, MedGen C0027672, MeSH D009386, MONDO:0015356.

Allele frequency attached by ClinVar (database versions not stated): gnomAD exomes below 0.00001 and 0.00001; gnomAD 0.00001; TOPMed 0.00002.
gnomAD v4.1: 8 of 1,611,168 alleles (0.0005%); highest among the groups gnomAD compares: Non-Finnish European, 0.00068%; no homozygotes.

Submissions (6):

St. Jude Molecular Pathology, St. Jude Children's Research Hospital
Classification: Uncertain significance for Breast-ovarian cancer, familial, susceptibility to, 3. Last evaluated: 2026-10-01. Review status: criteria provided, single submitter. Criteria: St. Jude Assertion Criteria 2020. Collection method: clinical testing. Allele origin: germline.
Comment: The RAD51C c.758A>G p.(Asp253Gly) missense change has a maximum subpopulation frequency of 0.0009% in gnomAD v2.1.1. The in silico tool REVEL predicts a benign effect on protein function, but to our knowledge this prediction has not been confirmed by functional studies. To our knowledge, this variant has not been reported as pathogenic in individuals with RAD51C- associated conditions. In summary, the evidence currently available is insufficient to determine the clinical significance of this variant. It has therefore been classified as of uncertain significance.

Labcorp Genetics (formerly Invitae), Labcorp
Classification: Uncertain significance for Fanconi anemia complementation group O. Last evaluated: 2025-07-30. Review status: criteria provided, single submitter. Criteria: Invitae Variant Classification Sherloc (09022015). Collection method: clinical testing. Allele origin: germline.
Comment: This sequence change replaces aspartic acid, which is acidic and polar, with glycine, which is neutral and non-polar, at codon 253 of the RAD51C protein (p.Asp253Gly). This variant is not present in population databases (gnomAD no frequency). This missense change has been observed in individual(s) with breast cancer and/or ovarian cancer (PMID: 28202063, 34923718). ClinVar contains an entry for this variant (Variation ID: 409850). Invitae Evidence Modeling of protein sequence and biophysical properties (such as structural, functional, and spatial information, amino acid conservation, physicochemical variation, residue mobility, and thermodynamic stability) indicates that this missense variant is not expected to disrupt RAD51C protein function with a negative predictive value of 80%. In summary, the available evidence is currently insufficient to determine the role of this variant in disease. Therefore, it has been classified as a Variant of Uncertain Significance.

Ambry Genetics
Classification: Likely benign for Hereditary cancer-predisposing syndrome. Last evaluated: 2025-03-05. Review status: criteria provided, single submitter. Criteria: Ambry Variant Classification Scheme 2023. Collection method: clinical testing. Allele origin: germline.

Baylor Genetics
Classification: Uncertain significance for Breast-ovarian cancer, familial, susceptibility to, 3. Last evaluated: 2023-10-03. Review status: criteria provided, single submitter. Criteria: ACMG Guidelines, 2015. Collection method: clinical testing. Allele origin: unknown.

Color Diagnostics, LLC DBA Color Health
Classification: Uncertain significance for Hereditary cancer-predisposing syndrome. Last evaluated: 2020-12-15. Review status: criteria provided, single submitter. Criteria: ACMG Guidelines, 2015. Collection method: clinical testing. Allele origin: germline.
Comment: This missense variant replaces aspartic acid with glycine at codon 253 of the RAD51C protein. Computational prediction suggests that this variant may not impact protein structure and function (internally defined REVEL score threshold <= 0.5, PMID: 27666373). To our knowledge, functional studies have not been reported for this variant. This variant has been reported in an individual affected with breast cancer (PMID: 28202063). This variant has been identified in 1/251444 chromosomes in the general population by the Genome Aggregation Database (gnomAD). The available evidence is insufficient to determine the role of this variant in disease conclusively. Therefore, this variant is classified as a Variant of Uncertain Significance.

GeneDx
Classification: Uncertain significance. Last evaluated: 2020-10-28. Review status: criteria provided, single submitter. Criteria: GeneDx Variant Classification Process June 2021. Collection method: clinical testing. Allele origin: germline. Affected: yes.
Comment: Not observed at a significant frequency in large population cohorts (Lek 2016); In silico analysis supports that this missense variant has a deleterious effect on protein structure/function; Has not been previously published as pathogenic or benign to our knowledge; This variant is associated with the following publications: (PMID: 28202063)

Literature cited by the submitters: PubMed 28202063 (cited by Labcorp Genetics (formerly Invitae), Labcorp); PubMed 34923718 (cited by Labcorp Genetics (formerly Invitae), Labcorp).